The following is an entry in ClinVar:

ClinVar aggregate classification (germline): Uncertain significance (1 of 4 stars; one submission).

Conditions:
SLITRK5-related disorder. Also called: SLITRK5-related condition.

Submission:

PreventionGenetics, part of Exact Sciences
Classification: Uncertain significance for SLITRK5-related condition. Last evaluated: 2026-09-15. Review status: criteria provided, single submitter. Criteria: ACMG Guidelines, 2015. Collection method: clinical testing. Allele origin: germline.
Comment: The SLITRK5 c.980dupC variant is predicted to result in a frameshift and premature protein termination (p.Leu328Phefs*5). To our knowledge, this variant has not been reported in the literature or in a large population database (gnomAD), indicating this variant is rare. At this time, the clinical significance of this variant is uncertain due to the absence of conclusive functional and genetic evidence.

NM_001384609.1(SLITRK5):c.980dup (p.Leu328fs)

Gene: SLITRK5 (SLIT and NTRK like family member 5; plus strand). Cytogenetic location: 13q31.2.
Variant type: Duplication.
Coding change: c.980dup on transcript NM_001384609.1 (MANE Select); coding-DNA position 980, one base duplicated (C; older notation c.980dupC).
Protein change: p.Leu328fs; shifts the reading frame from leucine 328.
Molecular consequence: frameshift variant.
Genome position (GRCh38, 1-based): chr13:87,676,368, C duplicated; the last of 5 consecutive C bases (chr13:87,676,364-87,676,368); duplicating any one gives the same sequence. VCF-style (leftmost placement, unchanged base first): chr13-87676363-A-AC. GRCh37 (hg19) VCF-style: chr13-88328618-A-AC.
Other names: c.980dup, p.Leu328fs (NM_001384610.1, NM_015567.2); short protein forms L328fs.
Identifiers: ClinVar variation 4991123 (VCV004991123.1).